The following is an entry in ClinVar:

NM_000548.5(TSC2):c.1443+4_1443+5delinsGT

Gene: TSC2 (TSC complex subunit 2; plus strand). Cytogenetic location: 16p13.3.
Variant type: Indel.
Coding change: c.1443+4_1443+5delinsGT on transcript NM_000548.5 (MANE Select); bases 4 to 5 of the intron after coding-DNA position 1443, CG replaced by GT.
Molecular consequence: intron variant.
Genome position (GRCh38, 1-based): chr16:2,063,057-2,063,058, CG replaced by GT. VCF-style: chr16-2063057-CG-GT. GRCh37 (hg19) VCF-style: chr16-2113058-CG-GT.
Other names: c.99+4_99+5delinsGT (NM_001406693.1, NM_001406689.1, NM_001406690.1 and 6 more transcripts); c.1533+4_1533+5delinsGT (NM_001406667.1, NM_001406668.1); c.843+4_843+5delinsGT (NM_001406680.1, NM_001406683.1, NM_001406687.1 and 6 more transcripts); c.-160+457_-160+458delinsGT (NM_001406698.1); c.1443+4_1443+5delinsGT (NM_001114382.3, NM_001406663.1, NM_001406664.1 and 6 more transcripts); c.1431+4_1431+5delinsGT (NM_001406671.1, NM_001406673.1); c.981+4_981+5delinsGT (NM_001406681.1); c.1332+4_1332+5delinsGT (NM_001406670.1, NM_001318827.2, NM_001406678.1); and 3 more.
Identifiers: ClinVar variation 2506726 (VCV002506726.1), dbSNP rs2548555178, ClinGen allele CA2580613395.

ClinVar aggregate classification (germline): Uncertain significance (1 of 4 stars; one submission).

Submission:

GeneDx
Classification: Uncertain significance. Last evaluated: 2022-12-22. Review status: criteria provided, single submitter. Criteria: GeneDx Variant Classification Process June 2021. Collection method: clinical testing. Allele origin: germline. Affected: yes.
Comment: Not observed at significant frequency in large population cohorts (gnomAD); In silico analysis supports a deleterious effect on splicing; Has not been previously published as pathogenic or benign to our knowledge